The following is an entry in ClinVar:

NM_001372.4(DNAH9):c.1413A>G (p.Arg471=)

Gene: DNAH9 (dynein axonemal heavy chain 9; plus strand). Cytogenetic location: 17p12.
Variant type: single nucleotide variant.
Coding change: c.1413A>G on transcript NM_001372.4 (MANE Select); coding-DNA position 1413, A replaced by G.
Protein change: p.Arg471=; no amino-acid change (arginine 471 retained).
Molecular consequence: synonymous variant.
Genome position (GRCh38, 1-based): chr17:11,629,479, A>G. VCF-style: chr17-11629479-A-G. GRCh37 (hg19) VCF-style: chr17-11532796-A-G.
Other names: c.1413A>G (NM_001372.3).
Identifiers: ClinVar variation 1536397 (VCV001536397.11), dbSNP rs148518864, ClinGen allele CA8394841.
Genomic context (GRCh38, chr17:11,629,479, plus strand): 5'-TCTTCTGAAGACGGCCCTGGATTTCCACAAACTGGGAAAGGTGGAGTTCAGCGGCGTCAG[A>G]GGGAATGCTCTGAGTCAGCAGGTCCAGCAAATGCATGAAGAATTTCAAGAGATGTACAGG-3'
Protein context (NP_001363.2, residues 461-481): KLGKVEFSGV[Arg471=]GNALSQQVQQ

ClinVar aggregate classification (germline): Likely benign. Review status: criteria provided, multiple submitters, no conflicts (2 of 4 stars). 3 submissions from 3 submitters: Likely benign (2). 1 of the submissions does not count toward it. Last evaluated 2025-12-28.

Conditions:
DNAH9-related disorder. Also called: DNAH9-related condition.

Allele frequency attached by ClinVar (database versions not stated): 1000 Genomes Project 30x 0.00016; 1000 Genomes Project 0.00020; ExAC 0.00024; gnomAD exomes 0.00024; TOPMed 0.00029; gnomAD 0.00030; ESP Exome Variant Server 0.00077.
gnomAD v4.1: 1,031 of 1,614,136 alleles (0.064%); highest among the groups gnomAD compares: Non-Finnish European, 0.084%; no homozygotes.

Submissions (3):

Labcorp Genetics (formerly Invitae), Labcorp
Classification: Likely benign. Last evaluated: 2025-12-28. Review status: criteria provided, single submitter. Criteria: Invitae Variant Classification Sherloc (09022015). Collection method: clinical testing. Allele origin: germline.

Blueprint Genetics
Classification: Likely benign. Last evaluated: 2024-09-03. Review status: criteria provided, single submitter. Criteria: ACMG Guidelines, 2015. Collection method: clinical testing. Allele origin: germline.

PreventionGenetics, part of Exact Sciences
Classification: Likely benign for DNAH9-related condition. Last evaluated: 2019-08-01. Review status: no assertion criteria provided. Collection method: clinical testing. Allele origin: germline. Not counted in ClinVar's aggregate classification.
Comment: This variant is classified as likely benign based on ACMG/AMP sequence variant interpretation guidelines (Richards et al. 2015 PMID: 25741868, with internal and published modifications).